The following is an entry in ClinVar:

ClinVar aggregate classification (germline): Uncertain significance. Review status: criteria provided, multiple submitters, no conflicts (2 of 4 stars). 2 submissions from 2 submitters: Uncertain significance (2). Last evaluated 2025-02-05.

Conditions:
Inborn genetic diseases. Identifiers: MedGen C0950123, MeSH D030342.

Allele frequency attached by ClinVar (database versions not stated): TOPMed below 0.00001; gnomAD 0.00001.
gnomAD v4.1: 1 of 1,565,056 alleles (0.000064%); highest among the groups gnomAD compares: Non-Finnish European, 0.000086%; no homozygotes.

Submissions (2):

Ambry Genetics
Classification: Uncertain significance for Inborn genetic diseases. Last evaluated: 2025-02-05. Review status: criteria provided, single submitter. Criteria: Ambry Variant Classification Scheme 2023. Collection method: clinical testing. Allele origin: germline.

Labcorp Genetics (formerly Invitae), Labcorp
Classification: Uncertain significance. Last evaluated: 2022-08-31. Review status: criteria provided, single submitter. Criteria: Invitae Variant Classification Sherloc (09022015). Collection method: clinical testing. Allele origin: germline.
Comment: In summary, the available evidence is currently insufficient to determine the role of this variant in disease. Therefore, it has been classified as a Variant of Uncertain Significance. Algorithms developed to predict the effect of missense changes on protein structure and function (SIFT, PolyPhen-2, Align-GVGD) all suggest that this variant is likely to be tolerated. ClinVar contains an entry for this variant (Variation ID: 1474369). This variant has not been reported in the literature in individuals affected with HELLS-related conditions. This variant is not present in population databases (gnomAD no frequency). This sequence change replaces lysine, which is basic and polar, with arginine, which is basic and polar, at codon 110 of the HELLS protein (p.Lys110Arg).

NM_018063.5(HELLS):c.329A>G (p.Lys110Arg)

Gene: HELLS (helicase, lymphoid specific; plus strand). Cytogenetic location: 10q23.33.
Variant type: single nucleotide variant.
Coding change: c.329A>G on transcript NM_018063.5 (MANE Select); coding-DNA position 329, A replaced by G.
Protein change: p.Lys110Arg; replaces lysine 110 with arginine.
Molecular consequence: missense variant. On other transcripts: 5 prime UTR variant (4).
Genome position (GRCh38, 1-based): chr10:94,558,191, A>G. VCF-style: chr10-94558191-A-G. GRCh37 (hg19) VCF-style: chr10-96317948-A-G.
Other names: c.329A>G, p.Lys110Arg (NM_001289067.2, NM_001289069.2, NM_001289070.2 and 1 more transcripts); c.281A>G, p.Lys94Arg (NM_001289068.2); c.-44A>G (NM_001289071.2); c.-21A>G (NM_001289073.2); c.-674A>G (NM_001289074.2); c.-693A>G (NM_001289075.2); c.329A>G (NM_018063.3); short protein forms K94R, K110R.
Identifiers: ClinVar variation 1474369 (VCV001474369.9), dbSNP rs1452977946, ClinGen allele CA377654230.